The following is an entry in ClinVar:

ClinVar aggregate classification (germline): Uncertain significance (1 of 4 stars; one submission).

Conditions:
Autosomal recessive congenital ichthyosis 1 (LI1). Also called: ICHTHYOSIS, CONGENITAL, AUTOSOMAL RECESSIVE 1, WITH BATHING SUIT DISTRIBUTION; ICHTHYOSIS, CONGENITAL, AUTOSOMAL RECESSIVE 1, WITH OR WITHOUT BATHING SUIT DISTRIBUTION; COLLODION FETUS; DESQUAMATION OF NEWBORN; ICHTHYOSIS CONGENITA; ICHTHYOSIS CONGENITA II. Identifiers: MedGen C4551630, MONDO:0009441, OMIM 242300.

Submission:

Myriad Genetics, Inc.
Classification: Uncertain significance for Autosomal recessive congenital ichthyosis 1. Last evaluated: 2025-09-23. Review status: criteria provided, single submitter. Criteria: Myriad Autosomal Dominant, Autosomal Recessive and X-Linked Classification Criteria (2023). Collection method: clinical testing. Allele origin: unknown.
Comment: NM_000359.2(TGM1):c.1979_1981delTGG(V660del) is an in-frame deletion classified as a variant of uncertain significance in the context of TGM1-related autosomal recessive congenital ichthyosis. V660del has not been observed in cases with relevant disease. Relevant functional assessments of this variant are not available in the literature. V660del has not been observed in referenced population frequency databases. In summary, there is insufficient evidence to classify NM_000359.2(TGM1):c.1979_1981delTGG(V660del) as pathogenic or benign. Please note: this variant was assessed in the context of healthy population screening.

NM_000359.3(TGM1):c.1979_1981del (p.Val660del)

Gene: TGM1 (transglutaminase 1; minus strand). Cytogenetic location: 14q12.
Variant type: Deletion.
Coding change: c.1979_1981del on transcript NM_000359.3 (MANE Select); coding-DNA positions 1979 to 1981, 3 bases deleted (TGG; older notation c.1979_1981delTGG).
Protein change: p.Val660del; deletes valine 660.
Molecular consequence: inframe deletion.
Genome position (GRCh38, 1-based): chr14:24,254,771-24,254,773, CCA deleted on the plus strand (TGG on the coding strand, the reverse complement: TGM1 is on the minus strand); deleting any 3 consecutive bases within chr14:24,254,771-24,254,774 gives the same sequence; the c. name uses the placement nearest the transcript's 3' end. VCF-style (leftmost placement, unchanged base first): chr14-24254770-TCCA-T. GRCh37 (hg19) VCF-style: chr14-24723976-TCCA-T.
Other names: short protein forms V660del.
Identifiers: ClinVar variation 5004177 (VCV005004177.1).